The following is an entry in ClinVar:

NM_002905.5(RDH5):c.570-8G>C

Genes: CD63 (CD63 molecule; minus strand), RDH5 (retinol dehydrogenase 5; plus strand), BLOC1S1-RDH5 (BLOC1S1-RDH5 readthrough; plus strand). Cytogenetic location: 12q13.2.
Variant type: single nucleotide variant.
Coding change: c.570-8G>C on transcript NM_002905.5 (MANE Select); 8 bases into the intron before coding-DNA position 570, G replaced by C.
Molecular consequence: intron variant.
Genome position (GRCh38, 1-based): chr12:55,723,878, G>C. VCF-style: chr12-55723878-G-C. GRCh37 (hg19) VCF-style: chr12-56117662-G-C.
Other names: c.570-8G>C (NM_001199771.3).
Identifiers: ClinVar variation 386307 (VCV000386307.15), dbSNP rs143431876, ClinGen allele CA6616887.

ClinVar aggregate classification (germline): Benign/Likely benign. Review status: criteria provided, multiple submitters, no conflicts (2 of 4 stars). 3 submissions from 3 submitters: Benign (1); Likely benign (2). Last evaluated 2026-02-02.

Conditions:
Pigmentary retinal dystrophy. Also called: Fundus albipunctatus. Identifiers: Orphanet 227796, Orphanet 52427, MedGen C0311338, MONDO:0007639, OMIM 136880, HP:0030642.

Allele frequency attached by ClinVar (database versions not stated): gnomAD 0.00548; TOPMed 0.00632; 1000 Genomes Project 0.00699; ESP Exome Variant Server 0.00715; 1000 Genomes Project 30x 0.00750.
gnomAD v4.1: 1,778 of 1,613,272 alleles (0.11%); highest among the groups gnomAD compares: African/African-American, 2.1%; 16 homozygotes.

Submissions (3):

Labcorp Genetics (formerly Invitae), Labcorp
Classification: Benign. Last evaluated: 2026-02-02. Review status: criteria provided, single submitter. Criteria: Invitae Variant Classification Sherloc (09022015). Collection method: clinical testing. Allele origin: germline.

Illumina Laboratory Services, Illumina
Classification: Likely benign for Pigmentary retinal dystrophy. Last evaluated: 2018-01-13. Review status: criteria provided, single submitter. Criteria: ICSL Variant Classification Criteria 13 December 2019. Collection method: clinical testing. Allele origin: germline.
Comment: This variant was observed in the ICSL laboratory as part of a predisposition screen in an ostensibly healthy population. It had not been previously curated by ICSL or reported in the Human Gene Mutation Database (HGMD: prior to June 1st, 2018), and was therefore a candidate for classification through an automated scoring system. Utilizing variant allele frequency, disease prevalence and penetrance estimates, and inheritance mode, an automated score was calculated to assess if this variant is too frequent to cause the disease. Based on the score and internal cut-off values, a variant classified as likely benign is not then subjected to further curation. The score for this variant resulted in a classification of likely benign for this disease.

GeneDx
Classification: Likely benign. Last evaluated: 2016-05-13. Review status: criteria provided, single submitter. Criteria: GeneDx Variant Classification (06012015). Collection method: clinical testing. Allele origin: germline. Affected: yes.
Comment: This variant is considered likely benign or benign based on one or more of the following criteria: it is a conservative change, it occurs at a poorly conserved position in the protein, it is predicted to be benign by multiple in silico algorithms, and/or has population frequency not consistent with disease.